The following is an entry in ClinVar:

NM_015978.3(TNNI3K):c.1574T>C (p.Val525Ala)

Genes: FPGT-TNNI3K (FPGT-TNNI3K readthrough; plus strand), TNNI3K (TNNI3 interacting kinase; plus strand). Cytogenetic location: 1p31.1.
Variant type: single nucleotide variant.
Coding change: c.1574T>C on transcript NM_015978.3 (MANE Select); coding-DNA position 1574, T replaced by C.
Protein change: p.Val525Ala; replaces valine 525 with alanine.
Molecular consequence: missense variant.
Genome position (GRCh38, 1-based): chr1:74,369,492, T>C. VCF-style: chr1-74369492-T-C. GRCh37 (hg19) VCF-style: chr1-74835176-T-C.
Other names: c.1877T>C, p.Val626Ala (NM_001112808.3, NM_001199327.2); short protein forms V525A, V626A.
Identifiers: ClinVar variation 3685344 (VCV003685344.2).
Genomic context (GRCh38, chr1:74,369,492, plus strand): 5'-TGTTTTGCCGAGAGGTGTCCATTCTCTGCCAGCTCAATCATCCCTGCGTAATTCAGTTTG[T>C]GGGTGCTTGCTTGAATGATCCCAGCCAGTTTGCCATTGTCACTCAATACATATCAGGGGG-3'
Protein context (NP_057062.1, residues 515-535): QLNHPCVIQF[Val525Ala]GACLNDPSQF

ClinVar aggregate classification (germline): Uncertain significance (1 of 4 stars; one submission).

gnomAD v4.1: 2 of 1,612,710 alleles (0.00012%); highest among the groups gnomAD compares: Non-Finnish European, 0.00017%; no homozygotes.

Submission:

Labcorp Genetics (formerly Invitae), Labcorp
Classification: Uncertain significance. Last evaluated: 2024-08-08. Review status: criteria provided, single submitter. Criteria: Invitae Variant Classification Sherloc (09022015). Collection method: clinical testing. Allele origin: germline.
Comment: This sequence change replaces valine, which is neutral and non-polar, with alanine, which is neutral and non-polar, at codon 525 of the TNNI3K protein (p.Val525Ala). This variant is present in population databases (no rsID available, gnomAD 0.0009%). This variant has not been reported in the literature in individuals affected with TNNI3K-related conditions. Advanced modeling of protein sequence and biophysical properties (such as structural, functional, and spatial information, amino acid conservation, physicochemical variation, residue mobility, and thermodynamic stability) has been performed at Invitae for this missense variant, however the output from this modeling did not meet the statistical confidence thresholds required to predict the impact of this variant on TNNI3K protein function. In summary, the available evidence is currently insufficient to determine the role of this variant in disease. Therefore, it has been classified as a Variant of Uncertain Significance.